The following is an entry in ClinVar:

NM_032242.4(PLXNA1):c.1193C>T (p.Ser398Leu)

Gene: PLXNA1 (plexin A1; plus strand). Cytogenetic location: 3q21.3.
Variant type: single nucleotide variant.
Coding change: c.1193C>T on transcript NM_032242.4 (MANE Select); coding-DNA position 1193, C replaced by T.
Protein change: p.Ser398Leu; replaces serine 398 with leucine.
Molecular consequence: missense variant.
Genome position (GRCh38, 1-based): chr3:126,989,786, C>T. VCF-style: chr3-126989786-C-T. GRCh37 (hg19) VCF-style: chr3-126708629-C-T.
Other names: short protein forms S398L.
Identifiers: ClinVar variation 4882181 (VCV004882181.2).

ClinVar aggregate classification (germline): Uncertain significance (1 of 4 stars; one submission).

gnomAD v4.1: 4 of 1,601,406 alleles (0.00025%); highest among the groups gnomAD compares: South Asian, 0.0011%; no homozygotes.

Submission:

Dasa
Classification: Uncertain significance. Last evaluated: 2025-06-29. Review status: criteria provided, single submitter. Criteria: DASA Assertion Criteria. Collection method: clinical testing. Allele origin: germline.
Comment: NM_032242.4(PLXNA1):c.1193C>T (p.Ser398Leu) is a missense variant that results in the substitution of serine with leucine. This variant is rare in population databases. The currently available literature and clinical evidence are not sufficient to establish a definitive association between this variant and the reported condition. Therefore, this variant is classified as a variant of uncertain significance.